The following is an entry in ClinVar:

ClinVar aggregate classification (germline): Uncertain significance. Review status: criteria provided, multiple submitters, no conflicts (2 of 4 stars). 5 submissions from 5 submitters: Uncertain significance (5). Last evaluated 2026-01-14.

Conditions:
Marfan syndrome (MFS). Also called: MARFAN SYNDROME, TYPE I; FBN1-Related Marfan Syndrome; Marfan syndrome, classic; Marfan syndrome type 1; Marfan's syndrome. Identifiers: Orphanet 284963, Orphanet 558, MedGen C0024796, MONDO:0007947, OMIM 154700.
Familial thoracic aortic aneurysm and aortic dissection (TAAD). Also called: Thoracic aortic aneurysms and dissections. Identifiers: Orphanet 91387, MedGen C4707243, MONDO:0019625.

Allele frequency attached by ClinVar (database versions not stated): TOPMed 0.00001.
gnomAD v4.1: 4 of 1,613,976 alleles (0.00025%); highest among the groups gnomAD compares: African/African-American, 0.004%; no homozygotes.

Submissions (5):

Ambry Genetics
Classification: Uncertain significance for Familial thoracic aortic aneurysm and aortic dissection. Last evaluated: 2026-01-14. Review status: criteria provided, single submitter. Criteria: Ambry Variant Classification Scheme 2023. Collection method: clinical testing. Allele origin: germline.

All of Us Research Program, National Institutes of Health
Classification: Uncertain significance for Marfan syndrome. Last evaluated: 2024-05-14. Review status: criteria provided, single submitter. Criteria: ACMG Guidelines, 2015. Collection method: clinical testing. Allele origin: germline. Inheritance: Autosomal dominant inheritance. Observed: 2 variant alleles, 2 heterozygotes.
Comment: This missense variant replaces serine with tryptophan at codon 2361 of the FBN1 protein. Computational prediction suggests that this variant may have deleterious impact on protein structure and function (internally defined REVEL score threshold >= 0.7, PMID: 27666373). To our knowledge, functional studies have not been reported for this variant. This variant has not been reported in individuals affected with cardiovascular disorders in the literature. This variant has not been identified in the general population by the Genome Aggregation Database (gnomAD). The available evidence is insufficient to determine the role of this variant in disease conclusively. Therefore, this variant is classified as a Variant of Uncertain Significance.

This study involves interpretation of variants in research participants for the purpose of population health screening. Participant phenotype was not available at the time of variant classification. Additional details can be found in publication PMID: 35346344, PMCID: PMC8962531

Women's Health and Genetics/Laboratory Corporation of America, LabCorp
Classification: Uncertain significance. Last evaluated: 2021-05-03. Review status: criteria provided, single submitter. Criteria: LabCorp Variant Classification Summary - May 2015. Collection method: clinical testing. Allele origin: germline.
Comment: Variant summary: FBN1 c.7082C>G (p.Ser2361Trp) results in a non-conservative amino acid change located in the TB domain (IPR017878) of the encoded protein sequence. Five of five in-silico tools predict a damaging effect of the variant on protein function. The variant was absent in 250804 control chromosomes. The available data on variant occurrences in the general population are insufficient to allow any conclusion about variant significance. To our knowledge, no occurrence of c.7082C>G in individuals affected with Marfan Syndrome and no experimental evidence demonstrating its impact on protein function have been reported. No clinical diagnostic laboratories have submitted clinical-significance assessments for this variant to ClinVar after 2014. Based on the evidence outlined above, the variant was classified as uncertain significance.

Labcorp Genetics (formerly Invitae), Labcorp
Classification: Uncertain significance for Marfan syndrome; Familial thoracic aortic aneurysm and aortic dissection. Last evaluated: 2021-04-29. Review status: criteria provided, single submitter. Criteria: Invitae Variant Classification Sherloc (09022015). Collection method: clinical testing. Allele origin: germline.
Comment: In summary, the available evidence is currently insufficient to determine the role of this variant in disease. Therefore, it has been classified as a Variant of Uncertain Significance. Advanced modeling of protein sequence and biophysical properties (such as structural, functional, and spatial information, amino acid conservation, physicochemical variation, residue mobility, and thermodynamic stability) performed at Invitae indicates that this missense variant is expected to disrupt FBN1 protein function. This variant has been observed in individual(s) with clinical features of Marfan syndrome (Invitae). ClinVar contains an entry for this variant (Variation ID: 200103). This variant is not present in population databases (ExAC no frequency). This sequence change replaces serine with tryptophan at codon 2361 of the FBN1 protein (p.Ser2361Trp). The serine residue is moderately conserved and there is a large physicochemical difference between serine and tryptophan.

GeneDx
Classification: Uncertain significance. Last evaluated: 2021-02-16. Review status: criteria provided, single submitter. Criteria: GeneDx Variant Classification Process June 2021. Collection method: clinical testing. Allele origin: germline. Affected: yes.
Comment: Not observed in large population cohorts (Lek et al., 2016); In silico analysis supports that this missense variant has a deleterious effect on protein structure/function; Has not been previously published as pathogenic or benign to our knowledge; Does not affect a cysteine residue within a calcium-binding EGF-like domain of the FBN1 gene; cysteine substitutions in the calcium-binding EGF-like domains represent the majority of pathogenic missense changes associated with FBN1-related disorders (Collod-Beroud et al., 2003).

Literature cited by the submitters: PubMed 31227806 (cited by Women's Health and Genetics/Laboratory Corporation of America, LabCorp).

NM_000138.5(FBN1):c.7082C>G (p.Ser2361Trp)

Gene: FBN1 (fibrillin 1; minus strand). Cytogenetic location: 15q21.1.
Variant type: single nucleotide variant.
Coding change: c.7082C>G on transcript NM_000138.5 (MANE Select); coding-DNA position 7082, C replaced by G.
Protein change: p.Ser2361Trp; replaces serine 2361 with tryptophan.
Molecular consequence: missense variant.
Genome position (GRCh38, 1-based): chr15:48,427,689, G>C on the plus strand (C>G on the coding strand, the complement: FBN1 is on the minus strand). VCF-style: chr15-48427689-G-C. GRCh37 (hg19) VCF-style: chr15-48719886-G-C.
Other names: p.S2361W:TCG>TGG; short protein forms S2361W.
Identifiers: ClinVar variation 200103 (VCV000200103.15), dbSNP rs397515844, ClinGen allele CA016984.